The following is an entry in ClinVar:

ClinVar aggregate classification (germline): Pathogenic (1 of 4 stars; one submission).

Conditions:
Ehlers-Danlos syndrome, kyphoscoliotic type 1 (EDSKSCL1). Also called: EHLERS-DANLOS SYNDROME, TYPE VIA; Ehlers-Danlos syndrome, hydroxylysine-deficient; EHLERS-DANLOS SYNDROME, OCULAR-SCOLIOTIC TYPE; PLOD1-Related Kyphoscoliotic Ehlers-Danlos Syndrome. Identifiers: Orphanet 1900, MedGen C0268342, MONDO:0016002, OMIM 225400. Disease mechanism: loss of function.

Submission:

Labcorp Genetics (formerly Invitae), Labcorp
Classification: Pathogenic for Ehlers-Danlos syndrome, kyphoscoliotic type 1. Last evaluated: 2024-01-02. Review status: criteria provided, single submitter. Criteria: Invitae Variant Classification Sherloc (09022015). Collection method: clinical testing. Allele origin: unknown.
Comment: This variant is a gross deletion of the genomic region encompassing exon(s) 1 of the PLOD1 gene, which includes the initiator codon. This deletion extends beyond the assayed region for this gene and therefore may encompass additional genes. It is expected to result in an absent or disrupted protein product. Loss-of-function variants in PLOD1 are known to be pathogenic (PMID: 10874315, 21699693). This variant has not been reported in the literature in individuals affected with PLOD1-related conditions. For these reasons, this variant has been classified as Pathogenic.

Literature cited by the submitters: PubMed 10874315; PubMed 21699693.

NC_000001.10:g.(?_11994837)_(11994932_?)del

Gene: PLOD1 (procollagen-lysine,2-oxoglutarate 5-dioxygenase 1; plus strand). Cytogenetic location: 1p36.22.
Variant type: Deletion.
Identifiers: ClinVar variation 3247664 (VCV003247664.1).